The following is an entry in ClinVar:

NM_024675.4(PALB2):c.3201+10G>A

Gene: PALB2 (partner and localizer of BRCA2; minus strand). Cytogenetic location: 16p12.2.
Variant type: single nucleotide variant.
Coding change: c.3201+10G>A on transcript NM_024675.4 (MANE Select); 10 bases into the intron after coding-DNA position 3201, G replaced by A.
Molecular consequence: intron variant.
Genome position (GRCh38, 1-based): chr16:23,613,994, C>T on the plus strand (G>A on the coding strand, the complement: PALB2 is on the minus strand). VCF-style: chr16-23613994-C-T. GRCh37 (hg19) VCF-style: chr16-23625315-C-T.
Other names: p.?.
Identifiers: ClinVar variation 382164 (VCV000382164.19), dbSNP rs759499251, ClinGen allele CA7963412.

ClinVar aggregate classification (germline): Benign/Likely benign. Review status: criteria provided, multiple submitters, no conflicts (2 of 4 stars). 7 submissions from 7 submitters: Benign (1); Likely benign (6). Last evaluated 2026-01-18.

Conditions:
Hereditary cancer-predisposing syndrome. Also called: Tumor predisposition; Hereditary neoplastic syndrome; Neoplastic Syndromes, Hereditary; Hereditary Cancer Syndrome. Identifiers: Orphanet 140162, MedGen C0027672, MeSH D009386, MONDO:0015356.
Familial cancer of breast. Also called: hereditary breast carcinoma; Hereditary breast cancer; BREAST CANCER, FAMILIAL. Identifiers: Orphanet 227535, MedGen C0346153, MONDO:0016419, OMIM 114480. Disease mechanism: loss of function.

Allele frequency attached by ClinVar (database versions not stated): TOPMed below 0.00001; ExAC 0.00002; gnomAD exomes 0.00003.
gnomAD v4.1: 16 of 1,601,416 alleles (0.001%); highest among the groups gnomAD compares: Admixed American, 0.012%; no homozygotes.

Submissions (7):

Labcorp Genetics (formerly Invitae), Labcorp
Classification: Likely benign for Familial cancer of breast. Last evaluated: 2026-01-18. Review status: criteria provided, single submitter. Criteria: Invitae Variant Classification Sherloc (09022015). Collection method: clinical testing. Allele origin: germline.

Mayo Clinic Laboratories, Mayo Clinic
Classification: Likely benign. Last evaluated: 2025-09-08. Review status: criteria provided, single submitter. Criteria: ACMG Guidelines, 2015. Collection method: clinical testing. Allele origin: germline. Observed: 1 variant allele.
Comment: BP4, BP7

Center for Genomic Medicine, Rigshospitalet, Copenhagen University Hospital
Classification: Likely benign. Last evaluated: 2025-03-04. Review status: criteria provided, single submitter. Criteria: ACMG Guidelines, 2015. Collection method: clinical testing. Allele origin: germline.

Myriad Genetics, Inc.
Classification: Benign for Familial cancer of breast. Last evaluated: 2025-01-21. Review status: criteria provided, single submitter. Criteria: Myriad Autosomal Dominant, Autosomal Recessive and X-Linked Classification Criteria (2023). Collection method: clinical testing. Allele origin: unknown.
Comment: This variant is considered benign. This variant is intronic and is not expected to impact mRNA splicing. This variant is strongly associated with less severe personal and family histories of cancer, typical for individuals without pathogenic variants in this gene [PMID: 25085752].

ARUP Laboratories, Molecular Genetics and Genomics, ARUP Laboratories
Classification: Likely benign. Last evaluated: 2024-02-12. Review status: criteria provided, single submitter. Criteria: ARUP Molecular Germline Variant Investigation Process 2024. Collection method: clinical testing. Allele origin: germline.

Color Diagnostics, LLC DBA Color Health
Classification: Likely benign for Hereditary cancer-predisposing syndrome. Last evaluated: 2017-09-26. Review status: criteria provided, single submitter. Criteria: ACMG Guidelines, 2015. Collection method: clinical testing. Allele origin: germline.

GeneDx
Classification: Likely benign. Last evaluated: 2015-12-02. Review status: criteria provided, single submitter. Criteria: GeneDx Variant Classification (06012015). Collection method: clinical testing. Allele origin: germline. Affected: yes.
Comment: This variant is considered likely benign or benign based on one or more of the following criteria: it is a conservative change, it occurs at a poorly conserved position in the protein, it is predicted to be benign by multiple in silico algorithms, and/or has population frequency not consistent with disease.

Literature cited by the submitters: PubMed 25085752 (cited by Myriad Genetics, Inc.).